The following is an entry in ClinVar:

NM_007194.4(CHEK2):c.899T>G (p.Val300Gly)

Gene: CHEK2 (checkpoint kinase 2; minus strand). Cytogenetic location: 22q12.1.
Variant type: single nucleotide variant.
Coding change: c.899T>G on transcript NM_007194.4 (MANE Select); coding-DNA position 899, T replaced by G.
Protein change: p.Val300Gly; replaces valine 300 with glycine.
Molecular consequence: missense variant.
Genome position (GRCh38, 1-based): chr22:28,703,514, A>C on the plus strand (T>G on the coding strand, the complement: CHEK2 is on the minus strand). VCF-style: chr22-28703514-A-C. GRCh37 (hg19) VCF-style: chr22-29099502-A-C.
Other names: c.1028T>G, p.Val343Gly (NM_001005735.3); c.236T>G, p.Val79Gly (NM_001257387.3); c.698T>G, p.Val233Gly (NM_001349956.3); c.899T>G, p.Val300Gly (NM_145862.3); short protein forms V300G, V343G, V79G, V233G.
Identifiers: ClinVar variation 1046929 (VCV001046929.9), dbSNP rs1467276809, ClinGen allele CA411100968.

ClinVar aggregate classification (germline): Uncertain significance (1 of 4 stars; one submission).

Conditions:
Familial cancer of breast. Also called: Hereditary breast cancer; hereditary breast carcinoma; BREAST CANCER, FAMILIAL. Identifiers: Orphanet 227535, MedGen C0346153, MONDO:0016419, OMIM 114480. Disease mechanism: loss of function.

Allele frequency attached by ClinVar (database versions not stated): TOPMed below 0.00001.

Submission:

Labcorp Genetics (formerly Invitae), Labcorp
Classification: Uncertain significance for Familial cancer of breast. Last evaluated: 2020-10-06. Review status: criteria provided, single submitter. Criteria: Invitae Variant Classification Sherloc (09022015). Collection method: clinical testing. Allele origin: germline.
Comment: This sequence change replaces valine with glycine at codon 300 of the CHEK2 protein (p.Val300Gly). The valine residue is highly conserved and there is a moderate physicochemical difference between valine and glycine. This variant is not present in population databases (ExAC no frequency). This variant has not been reported in the literature in individuals with CHEK2-related conditions. Algorithms developed to predict the effect of missense changes on protein structure and function are either unavailable or do not agree on the potential impact of this missense change (SIFT: "Deleterious"; PolyPhen-2: "Probably Damaging"; Align-GVGD: "Class C0"). In summary, the available evidence is currently insufficient to determine the role of this variant in disease. Therefore, it has been classified as a Variant of Uncertain Significance.